The following is an entry in ClinVar:

ClinVar aggregate classification (germline): Likely pathogenic (0 of 4 stars; one submission).

Conditions:
Pyruvate dehydrogenase E1-alpha deficiency (PDHAD). Also called: ATAXIA, INTERMITTENT, WITH PYRUVATE DEHYDROGENASE DEFICIENCY; ATAXIA WITH LACTIC ACIDOSIS I; ATAXIA, INTERMITTENT, WITH ABNORMAL PYRUVATE METABOLISM; Ataxia, intermittent, with pyruvate dehydrogenase, or decarboxylase, deficiency. Identifiers: Orphanet 79243, MedGen C1839413, MONDO:0010717, OMIM 312170.

Submission:

PDHA1 Study Group, University Children’s Hospital, Paracelsus Medical University
Classification: Likely pathogenic for Pyruvate dehydrogenase E1-alpha deficiency. Last evaluated: 2024-10-15. Review status: no assertion criteria provided. Collection method: research. Allele origin: de novo. Affected: yes. Observed: 1 variant allele.
Comment: The NM_000284.3:c.863G>T (p.Arg288Leu) substitution is a missense variant in PDHA1 gene. Among them, 1 case had confirmed de novo occurrence. Last literature search: July 12, 2024. This variant is absent or extremely rare in population-based cohorts in the Genome Aggregation Database (gnomAD). Individuals harboring this variant presented with clinical features compatible with PDHA1-related PDHc deficiency. In summary, this variant meets criteria to be classified as likely pathogenic (LP) for PDHA1-related PDHc deficiency based on the ACMG/AMP criteria applied: PM1, PM2, PM5, PP3 (last assessment October 15, 2024).

Literature cited by the submitters: DOI 10.1093/brain/awaf430.

NM_000284.4(PDHA1):c.863G>T (p.Arg288Leu)

Gene: PDHA1 (pyruvate dehydrogenase E1 subunit alpha 1; plus strand). Cytogenetic location: Xp22.12.
Variant type: single nucleotide variant.
Coding change: c.863G>T on transcript NM_000284.4 (MANE Select); coding-DNA position 863, G replaced by T.
Protein change: p.Arg288Leu; replaces arginine 288 with leucine.
Molecular consequence: missense variant.
Genome position (GRCh38, 1-based): chrX:19,357,683, G>T. VCF-style: chrX-19357683-G-T. GRCh37 (hg19) VCF-style: chrX-19375801-G-T.
Other names: c.977G>T, p.Arg326Leu (NM_001173454.2); c.884G>T, p.Arg295Leu (NM_001173455.2); c.770G>T, p.Arg257Leu (NM_001173456.2); short protein forms R257L, R288L, R295L, R326L.
Identifiers: ClinVar variation 4070378 (VCV004070378.1).